The following is an entry in ClinVar:

ClinVar aggregate classification (germline): Uncertain significance (1 of 4 stars; one submission).

Submission:

Labcorp Genetics (formerly Invitae), Labcorp
Classification: Uncertain significance. Last evaluated: 2022-11-15. Review status: criteria provided, single submitter. Criteria: Invitae Variant Classification Sherloc (09022015). Collection method: clinical testing. Allele origin: germline.
Comment: In summary, the available evidence is currently insufficient to determine the role of this variant in disease. Therefore, it has been classified as a Variant of Uncertain Significance. Advanced modeling of protein sequence and biophysical properties (such as structural, functional, and spatial information, amino acid conservation, physicochemical variation, residue mobility, and thermodynamic stability) performed at Invitae indicates that this missense variant is not expected to disrupt RUNX2 protein function. This variant has not been reported in the literature in individuals affected with RUNX2-related conditions. This variant is not present in population databases (gnomAD no frequency). This sequence change replaces glycine, which is neutral and non-polar, with alanine, which is neutral and non-polar, at codon 493 of the RUNX2 protein (p.Gly493Ala).

NM_001024630.4(RUNX2):c.1478G>C (p.Gly493Ala)

Gene: RUNX2 (RUNX family transcription factor 2; plus strand). Cytogenetic location: 6p21.1.
Variant type: single nucleotide variant.
Coding change: c.1478G>C on transcript NM_001024630.4 (MANE Select); coding-DNA position 1478, G replaced by C.
Protein change: p.Gly493Ala; replaces glycine 493 with alanine.
Molecular consequence: missense variant.
Genome position (GRCh38, 1-based): chr6:45,547,217, G>C. VCF-style: chr6-45547217-G-C. GRCh37 (hg19) VCF-style: chr6-45514954-G-C.
Other names: c.1412G>C, p.Gly471Ala (NM_001015051.4); c.1370G>C, p.Gly457Ala (NM_001278478.2); c.1436G>C, p.Gly479Ala (NM_001369405.1, NM_004348.3); short protein forms G493A, G471A, G457A, G479A.
Identifiers: ClinVar variation 2814436 (VCV002814436.3), dbSNP rs2481025507, ClinGen allele CA363957310.